The following is an entry in ClinVar:

NM_006262.4(PRPH):c.26G>A (p.Arg9Gln)

Genes: TROAP-AS1 (TROAP and PRPH antisense RNA 1; minus strand), PRPH (peripherin; plus strand). Cytogenetic location: 12q13.12.
Variant type: single nucleotide variant.
Coding change: c.26G>A on transcript NM_006262.4 (MANE Select); coding-DNA position 26, G replaced by A.
Protein change: p.Arg9Gln; replaces arginine 9 with glutamine.
Molecular consequence: missense variant.
Genome position (GRCh38, 1-based): chr12:49,295,226, G>A. VCF-style: chr12-49295226-G-A. GRCh37 (hg19) VCF-style: chr12-49689009-G-A.
Other names: short protein forms R9Q.
Identifiers: ClinVar variation 66714 (VCV000066714.31), dbSNP rs57451017, ClinGen allele CA217608.
Genomic context (GRCh38, chr12:49,295,226, plus strand): 5'-GCTCTGCGAACGGTGACTGCCCATCCTTGGCCGCAATGAGCCACCACCCGTCGGGCCTCC[G>A]GGCCGGCTTCAGCTCCACCTCATACCGCCGTACCTTCGGTCCACCGCCCTCACTATCCCC-3'
Protein context (NP_006253.2, residues 1-19): MSHHPSGL[Arg9Gln]AGFSSTSYRR

ClinVar aggregate classification (germline): Benign. Review status: criteria provided, multiple submitters, no conflicts (2 of 4 stars). 7 submissions from 7 submitters: Benign (4). 3 of the submissions do not count toward it. Last evaluated 2026-07-01.

Conditions:
Amyotrophic lateral sclerosis type 1 (ALS1). Also called: AMYOTROPHIC LATERAL SCLEROSIS 1, FAMILIAL. Identifiers: Orphanet 803, MedGen C1862939, MONDO:0007103, OMIM 105400.

Allele frequency attached by ClinVar (database versions not stated): gnomAD exomes 0.01185 and 0.01459; 1000 Genomes Project 30x 0.01359; 1000 Genomes Project 0.01458; ESP Exome Variant Server 0.00879; gnomAD 0.00901 and 0.00997; TOPMed 0.00930; ExAC 0.01707.
gnomAD v4.1: 19,077 of 1,611,522 alleles (1.2%); highest among the groups gnomAD compares: Middle Eastern, 5.8%; 254 homozygotes.

Submissions (7):

CeGaT Center for Human Genetics Tuebingen
Classification: Benign. Last evaluated: 2026-07-01. Review status: criteria provided, single submitter. Criteria: CeGaT Center For Human Genetics Tuebingen Variant Classification Criteria Version 2. Collection method: clinical testing. Allele origin: germline. Affected: yes. Observed: 11 variant alleles.
Comment: PRPH: BP4, BS1, BS2

Fulgent Genetics
Classification: Benign for Amyotrophic lateral sclerosis type 1. Last evaluated: 2022-03-17. Review status: criteria provided, single submitter. Criteria: ACMG Guidelines, 2015. Collection method: clinical testing. Allele origin: unknown.

GeneDx
Classification: Benign. Last evaluated: 2018-10-11. Review status: criteria provided, single submitter. Criteria: GeneDx Variant Classification Process June 2021. Collection method: clinical testing. Allele origin: germline. Affected: yes.
Comment: This variant is associated with the following publications: (PMID: 15322088, 25588603, 27884173, 28430856)

Breakthrough Genomics
Classification: Benign. Review status: criteria provided, single submitter. Criteria: ACMG Guidelines, 2015. Collection method: not provided. Allele origin: germline. Inheritance: Autosomal dominant inheritance. Affected: yes.

Clinical Genetics DNA and cytogenetics Diagnostics Lab, Erasmus MC, Erasmus Medical Center
Classification: Benign. Review status: no assertion criteria provided. Collection method: clinical testing. Allele origin: germline. Affected: yes. Study: VKGL Data-share Consensus. Not counted in ClinVar's aggregate classification.

Epithelial Biology;  Institute of Medical Biology, Singapore
No classification provided. Review status: no classification provided. Collection method: not provided. Allele origin: not provided. Not counted in ClinVar's aggregate classification.

Genome Diagnostics Laboratory, University Medical Center Utrecht
Classification: Likely benign. Review status: no assertion criteria provided. Collection method: clinical testing. Allele origin: germline. Affected: yes. Study: VKGL Data-share Consensus. Not counted in ClinVar's aggregate classification.